The following is an entry in ClinVar:

ClinVar aggregate classification (germline): Uncertain significance (1 of 4 stars; one submission).

Conditions:
Hereditary cancer-predisposing syndrome. Also called: Neoplastic Syndromes, Hereditary; Tumor predisposition; Hereditary Cancer Syndrome; Hereditary neoplastic syndrome. Identifiers: Orphanet 140162, MedGen C0027672, MeSH D009386, MONDO:0015356.

Submission:

Ambry Genetics
Classification: Uncertain significance for Hereditary cancer-predisposing syndrome. Last evaluated: 2025-12-17. Review status: criteria provided, single submitter. Criteria: Ambry Variant Classification Scheme 2023. Collection method: clinical testing. Allele origin: germline.
Comment: The p.L49P variant (also known as c.146T>C), located in coding exon 1 of the ALK gene, results from a T to C substitution at nucleotide position 146. The leucine at codon 49 is replaced by proline, an amino acid with similar properties. This amino acid position is highly conserved in available vertebrate species. In addition, this alteration is predicted to be deleterious by in silico analysis. Based on the available evidence, the clinical significance of this variant remains unclear.

NM_004304.5(ALK):c.146T>C (p.Leu49Pro)

Gene: ALK (ALK receptor tyrosine kinase; minus strand). Cytogenetic location: 2p23.1.
Variant type: single nucleotide variant.
Coding change: c.146T>C on transcript NM_004304.5 (MANE Select); coding-DNA position 146, T replaced by C.
Protein change: p.Leu49Pro; replaces leucine 49 with proline.
Molecular consequence: missense variant.
Genome position (GRCh38, 1-based): chr2:29,920,514, A>G on the plus strand (T>C on the coding strand, the complement: ALK is on the minus strand). VCF-style: chr2-29920514-A-G. GRCh37 (hg19) VCF-style: chr2-30143380-A-G.
Other names: short protein forms L49P.
Identifiers: ClinVar variation 4843236 (VCV004843236.1).